The following is an entry in ClinVar:

ClinVar aggregate classification (germline): Uncertain significance (1 of 4 stars; one submission).

gnomAD v4.1: 79 of 1,614,060 alleles (0.0049%); highest among the groups gnomAD compares: Non-Finnish European, 0.0062%; no homozygotes.

Submission:

Dasa
Classification: Uncertain significance. Last evaluated: 2025-05-02. Review status: criteria provided, single submitter. Criteria: DASA Assertion Criteria. Collection method: clinical testing. Allele origin: germline.
Comment: NM_000212.3(ITGB3):c.188G>A (p.Arg63His) is a missense variant that results in the substitution of arginine with histidine. The affected residue or protein region has prior evidence supporting clinical relevance. This variant is rare in population databases. Computational prediction algorithms are consistent with a deleterious effect. The currently available literature and clinical evidence are not sufficient to establish a definitive association between this variant and the reported condition. Therefore, this variant is classified as a variant of uncertain significance.

NM_000212.3(ITGB3):c.188G>A (p.Arg63His)

Gene: ITGB3 (integrin subunit beta 3; plus strand). Cytogenetic location: 17q21.32.
Variant type: single nucleotide variant.
Coding change: c.188G>A on transcript NM_000212.3 (MANE Select); coding-DNA position 188, G replaced by A.
Protein change: p.Arg63His; replaces arginine 63 with histidine.
Molecular consequence: missense variant.
Genome position (GRCh38, 1-based): chr17:47,283,376, G>A. VCF-style: chr17-47283376-G-A. GRCh37 (hg19) VCF-style: chr17-45360742-G-A.
Other names: short protein forms R63H.
Identifiers: ClinVar variation 4886007 (VCV004886007.2).